The following is an entry in ClinVar:

ClinVar aggregate classification (germline): Uncertain significance (1 of 4 stars; one submission).

Submission:

GeneDx
Classification: Uncertain significance. Last evaluated: 2026-01-17. Review status: criteria provided, single submitter. Criteria: GeneDx Variant Classification Process June 2021. Collection method: clinical testing. Allele origin: germline.
Comment: Not observed at significant frequency in large population cohorts (gnomAD); In silico analysis suggests that this missense variant does not alter protein structure/function; Has not been previously published as pathogenic or benign to our knowledge

NM_004522.3(KIF5C):c.674G>A (p.Ser225Asn)

Gene: KIF5C (kinesin family member 5C; plus strand). Cytogenetic location: 2q23.1.
Variant type: single nucleotide variant.
Coding change: c.674G>A on transcript NM_004522.3 (MANE Select); coding-DNA position 674, G replaced by A.
Protein change: p.Ser225Asn; replaces serine 225 with asparagine.
Molecular consequence: missense variant.
Genome position (GRCh38, 1-based): chr2:148,946,983, G>A. VCF-style: chr2-148946983-G-A. GRCh37 (hg19) VCF-style: chr2-149803497-G-A.
Other names: short protein forms S225N.
Identifiers: ClinVar variation 4975292 (VCV004975292.1).